The following is an entry in ClinVar:

NM_152384.3(BBS5):c.298A>G (p.Lys100Glu)

Gene: BBS5 (Bardet-Biedl syndrome 5; plus strand). Cytogenetic location: 2q31.1.
Variant type: single nucleotide variant.
Coding change: c.298A>G on transcript NM_152384.3 (MANE Select); coding-DNA position 298, A replaced by G.
Protein change: p.Lys100Glu; replaces lysine 100 with glutamic acid.
Molecular consequence: missense variant.
Genome position (GRCh38, 1-based): chr2:169,488,026, A>G. VCF-style: chr2-169488026-A-G. GRCh37 (hg19) VCF-style: chr2-170344536-A-G.
Other names: short protein forms K100E.
Identifiers: ClinVar variation 3356313 (VCV003356313.1).
Genomic context (GRCh38, chr2:169,488,026, plus strand): 5'-TAAATAAATTTGTCCTTACAGAAATTACGAGGCCAAACTGAAGCTCTCTATATACTAACA[A>G]AATGTAACAGTACTCGTTTTGAATTTATATTTACAAATTTGGTTCCTGGAAGCCCTAGAC-3'
Protein context (NP_689597.1, residues 90-110): GQTEALYILT[Lys100Glu]CNSTRFEFIF

ClinVar aggregate classification (germline): Uncertain significance (0 of 4 stars; one submission).

Conditions:
BBS5-related disorder. Also called: BBS5-related condition.

gnomAD v4.1: 1 of 1,613,782 alleles (0.000062%); highest among the groups gnomAD compares: Admixed American, 0.0017%; no homozygotes.

Submission:

PreventionGenetics, part of Exact Sciences
Classification: Uncertain significance for BBS5-related condition. Last evaluated: 2024-07-01. Review status: no assertion criteria provided. Collection method: clinical testing. Allele origin: germline.
Comment: The BBS5 c.298A>G variant is predicted to result in the amino acid substitution p.Lys100Glu. To our knowledge, this variant has not been reported in the literature or in a large population database, indicating this variant is rare. At this time, the clinical significance of this variant is uncertain due to the absence of conclusive functional and genetic evidence.